The following is an entry in ClinVar:

ClinVar aggregate classification (germline): Uncertain significance (1 of 4 stars; one submission).

Allele frequency attached by ClinVar (database versions not stated): TOPMed below 0.00001.

Submission:

GeneDx
Classification: Uncertain significance. Last evaluated: 2023-01-13. Review status: criteria provided, single submitter. Criteria: GeneDx Variant Classification Process June 2021. Collection method: clinical testing. Allele origin: germline. Affected: yes.
Comment: Not observed at significant frequency in large population cohorts (gnomAD); In silico analysis supports that this missense variant does not alter protein structure/function; Has not been previously published as pathogenic or benign to our knowledge

NM_006079.5(CITED2):c.295A>C (p.Met99Leu)

Gene: CITED2 (Cbp/p300 interacting transactivator with Glu/Asp rich carboxy-terminal domain 2; minus strand). Cytogenetic location: 6q24.1.
Variant type: single nucleotide variant.
Coding change: c.295A>C on transcript NM_006079.5 (MANE Select); coding-DNA position 295, A replaced by C.
Protein change: p.Met99Leu; replaces methionine 99 with leucine.
Molecular consequence: missense variant.
Genome position (GRCh38, 1-based): chr6:139,373,650, T>G on the plus strand (A>C on the coding strand, the complement: CITED2 is on the minus strand). VCF-style: chr6-139373650-T-G. GRCh37 (hg19) VCF-style: chr6-139694787-T-G.
Other names: c.295A>C, p.Met99Leu (NM_001168388.3); c.310A>C, p.Met104Leu (NM_001168389.3); short protein forms M104L, M99L.
Identifiers: ClinVar variation 2572714 (VCV002572714.1), dbSNP rs941695360, ClinGen allele CA148813818.
Genomic context (GRCh38, chr6:139,373,650, plus strand): 5'-GCTTCTGCAGCTGCATGCTGGCCGGCAGGGAGCCTCCCTGGCTGGCCACCGGGGGACCCA[T>G]GAACTGGGAGTTGTTAAACCTGGCCGCGGGGGCCAGCGCGCTCGGGGGGTGCCCTCCGTT-3'
Protein context (NP_006070.2, residues 89-109): PAARFNNSQF[Met99Leu]GPPVASQGGS